The following is an entry in ClinVar:

ClinVar aggregate classification (germline): Uncertain significance (1 of 4 stars; one submission).

Conditions:
Congenital disorder of glycosylation type 1E (CDG1E). Also called: CONGENITAL DISORDER OF GLYCOSYLATION, TYPE Ie; CDG Ie. Identifiers: Orphanet 79322, MedGen C1837396, MONDO:0012123, OMIM 608799.

Allele frequency attached by ClinVar (database versions not stated): gnomAD exomes below 0.00001.
gnomAD v4.1: 1 of 1,611,674 alleles (0.000062%); highest among the groups gnomAD compares: East Asian, 0.0022%; no homozygotes.

Submission:

Labcorp Genetics (formerly Invitae), Labcorp
Classification: Uncertain significance for Congenital disorder of glycosylation type 1E. Last evaluated: 2023-11-14. Review status: criteria provided, single submitter. Criteria: Invitae Variant Classification Sherloc (09022015). Collection method: clinical testing. Allele origin: germline.
Comment: This sequence change replaces lysine, which is basic and polar, with threonine, which is neutral and polar, at codon 197 of the DPM1 protein (p.Lys197Thr). This variant is present in population databases (no rsID available, gnomAD 0.006%). This variant has not been reported in the literature in individuals affected with DPM1-related conditions. An algorithm developed to predict the effect of missense changes on protein structure and function (PolyPhen-2) suggests that this variant is likely to be tolerated. In summary, the available evidence is currently insufficient to determine the role of this variant in disease. Therefore, it has been classified as a Variant of Uncertain Significance.

NM_003859.3(DPM1):c.590A>C (p.Lys197Thr)

Genes: DPM1 (dolichyl-phosphate mannosyltransferase subunit 1, catalytic; minus strand), ADNP-AS1 (ADNP antisense RNA 1; plus strand). Cytogenetic location: 20q13.13.
Variant type: single nucleotide variant.
Coding change: c.590A>C on transcript NM_003859.3 (MANE Select); coding-DNA position 590, A replaced by C.
Protein change: p.Lys197Thr; replaces lysine 197 with threonine.
Molecular consequence: missense variant. On other transcripts: non-coding transcript variant (1).
Genome position (GRCh38, 1-based): chr20:50,936,236, T>G on the plus strand (A>C on the coding strand, the complement: DPM1 is on the minus strand). VCF-style: chr20-50936236-T-G. GRCh37 (hg19) VCF-style: chr20-49552773-T-G.
Other names: c.695A>C, p.Lys232Thr (NM_001317034.1); c.671A>C, p.Lys224Thr (NM_001317035.1); c.521A>C, p.Lys174Thr (NM_001317036.1); short protein forms K232T, K174T, K197T, K224T.
Identifiers: ClinVar variation 2839724 (VCV002839724.3), dbSNP rs1453515704, ClinGen allele CA408987551.
Genomic context (GRCh38, chr20:50,936,236, plus strand): 5'-GCCCGAACAATCATCTCCATCTGGAAGACGTAGCCTTTAGAAACACATTTTTCTATTAAT[T>G]TCTCTAGAACTTCTTTTCGGTATAATCTGTAAGAAATTAAAAATATATATCAACTTCTGG-3'
Protein context (NP_003850.1, residues 187-207): FRLYRKEVLE[Lys197Thr]LIEKCVSKGY